The following is an entry in ClinVar:

NM_015466.4(PTPN23):c.2248C>T (p.Pro750Ser)

Gene: PTPN23 (protein tyrosine phosphatase non-receptor type 23; plus strand). Cytogenetic location: 3p21.31.
Variant type: single nucleotide variant.
Coding change: c.2248C>T on transcript NM_015466.4 (MANE Select); coding-DNA position 2248, C replaced by T.
Protein change: p.Pro750Ser; replaces proline 750 with serine.
Molecular consequence: missense variant.
Genome position (GRCh38, 1-based): chr3:47,410,046, C>T. VCF-style: chr3-47410046-C-T. GRCh37 (hg19) VCF-style: chr3-47451536-C-T.
Other names: c.1870C>T, p.Pro624Ser (NM_001304482.2); short protein forms P750S, P624S.
Identifiers: ClinVar variation 1484167 (VCV001484167.3), dbSNP rs199549354, ClinGen allele CA73879722.

ClinVar aggregate classification (germline): Uncertain significance (1 of 4 stars; one submission).

gnomAD v4.1: 12 of 1,611,642 alleles (0.00074%); highest among the groups gnomAD compares: South Asian, 0.0011%; no homozygotes.

Submission:

Labcorp Genetics (formerly Invitae), Labcorp
Classification: Uncertain significance. Last evaluated: 2022-06-20. Review status: criteria provided, single submitter. Criteria: Invitae Variant Classification Sherloc (09022015). Collection method: clinical testing. Allele origin: germline.
Comment: This sequence change replaces proline, which is neutral and non-polar, with serine, which is neutral and polar, at codon 750 of the PTPN23 protein (p.Pro750Ser). The frequency data for this variant in the population databases is considered unreliable, as metrics indicate poor data quality at this position in the gnomAD database. This variant has not been reported in the literature in individuals affected with PTPN23-related conditions. Algorithms developed to predict the effect of missense changes on protein structure and function are either unavailable or do not agree on the potential impact of this missense change (SIFT: "Tolerated"; PolyPhen-2: "Not Available"; Align-GVGD: "Class C0"). In summary, the available evidence is currently insufficient to determine the role of this variant in disease. Therefore, it has been classified as a Variant of Uncertain Significance.